The following is an entry in ClinVar:

NM_001040716.2(PC):c.1526_1529del (p.Val509fs)

Gene: PC (pyruvate carboxylase; minus strand). Cytogenetic location: 11q13.2.
Variant type: Deletion.
Coding change: c.1526_1529del on transcript NM_001040716.2 (MANE Select); coding-DNA positions 1526 to 1529, 4 bases deleted (TAAA; older notation c.1526_1529delTAAA).
Protein change: p.Val509fs; shifts the reading frame from valine 509.
Molecular consequence: frameshift variant.
Genome position (GRCh38, 1-based): chr11:66,852,821-66,852,824, TTTA deleted on the plus strand (TAAA on the coding strand, the reverse complement: PC is on the minus strand). VCF-style (leftmost placement, unchanged base first): chr11-66852820-GTTTA-G. GRCh37 (hg19) VCF-style: chr11-66620291-GTTTA-G.
Other names: c.1526_1529del, p.Val509fs (NM_000920.4, NM_022172.3); short protein forms V509fs.
Identifiers: ClinVar variation 1725791 (VCV001725791.2), dbSNP rs2495496267, ClinGen allele CA2580084621.

ClinVar aggregate classification (germline): Likely pathogenic (1 of 4 stars; one submission).

Conditions:
Pyruvate carboxylase deficiency. Also called: ATAXIA WITH LACTIC ACIDOSIS II; LEIGH NECROTIZING ENCEPHALOPATHY DUE TO PYRUVATE CARBOXYLASE DEFICIENCY; LEIGH SYNDROME DUE TO PYRUVATE CARBOXYLASE DEFICIENCY; PC DEFICIENCY; Pyruvate Carboxylase Deficiency Disease. Identifiers: Orphanet 3008, MedGen C0034341, MONDO:0009949, OMIM 266150.

Submission:

Myriad Genetics, Inc.
Classification: Likely pathogenic for Pyruvate carboxylase deficiency. Last evaluated: 2022-04-01. Review status: criteria provided, single submitter. Criteria: Myriad Women's Health Autosomal Recessive and X-Linked Classification Criteria (2021). Collection method: clinical testing. Allele origin: unknown.
Comment: NM_000920.3(PC):c.1526_1529delTAAA(V509Afs*25) is expected to be pathogenic in the context of pyruvate carboxylase deficiency. This variant is predicted to lead to an abnormal or absent protein product due to the creation of a premature termination codon in PC, a gene where loss-of-function variants are known to be pathogenic. Please note: this variant was assessed in the context of healthy population screening.